The following is an entry in ClinVar:

ClinVar aggregate classification (germline): Uncertain significance (1 of 4 stars; one submission).

Conditions:
Duchenne muscular dystrophy (DMD). Also called: MUSCULAR DYSTROPHY, PSEUDOHYPERTROPHIC PROGRESSIVE, DUCHENNE TYPE; Duchenne Muscular Dystrophy (DMD). Identifiers: Orphanet 98896, MedGen C0013264, MONDO:0010679, OMIM 310200.

gnomAD v4.1: 2 of 1,211,064 alleles (0.00017%); highest among the groups gnomAD compares: Non-Finnish European, 0.00022%; no homozygotes.

Submission:

Labcorp Genetics (formerly Invitae), Labcorp
Classification: Uncertain significance for Duchenne muscular dystrophy. Last evaluated: 2024-10-22. Review status: criteria provided, single submitter. Criteria: Invitae Variant Classification Sherloc (09022015). Collection method: clinical testing. Allele origin: germline.
Comment: This sequence change replaces arginine, which is basic and polar, with glycine, which is neutral and non-polar, at codon 889 of the DMD protein (p.Arg889Gly). This variant is present in population databases (no rsID available, gnomAD 0.001%). This variant has not been reported in the literature in individuals affected with DMD-related conditions. Invitae Evidence Modeling of protein sequence and biophysical properties (such as structural, functional, and spatial information, amino acid conservation, physicochemical variation, residue mobility, and thermodynamic stability) indicates that this missense variant is not expected to disrupt DMD protein function with a negative predictive value of 95%. In summary, the available evidence is currently insufficient to determine the role of this variant in disease. Therefore, it has been classified as a Variant of Uncertain Significance.

NM_004006.3(DMD):c.2665C>G (p.Arg889Gly)

Gene: DMD (dystrophin; minus strand). Cytogenetic location: Xp21.1.
Variant type: single nucleotide variant.
Coding change: c.2665C>G on transcript NM_004006.3 (MANE Select); coding-DNA position 2665, C replaced by G.
Protein change: p.Arg889Gly; replaces arginine 889 with glycine.
Molecular consequence: missense variant.
Genome position (GRCh38, 1-based): chrX:32,485,057, G>C on the plus strand (C>G on the coding strand, the complement: DMD is on the minus strand). VCF-style: chrX-32485057-G-C. GRCh37 (hg19) VCF-style: chrX-32503174-G-C.
Other names: c.2641C>G, p.Arg881Gly (NM_000109.4); c.2653C>G, p.Arg885Gly (NM_004009.3); c.2296C>G, p.Arg766Gly (NM_004010.3); short protein forms R885G, R766G, R889G, R881G.
Identifiers: ClinVar variation 2742498 (VCV002742498.3), dbSNP rs1060502639, ClinGen allele CA412671008.